The following is an entry in ClinVar:

NM_022726.4(ELOVL4):c.847A>G (p.Met283Val)

Gene: ELOVL4 (ELOVL fatty acid elongase 4; minus strand). Cytogenetic location: 6q14.1.
Variant type: single nucleotide variant.
Coding change: c.847A>G on transcript NM_022726.4 (MANE Select); coding-DNA position 847, A replaced by G.
Protein change: p.Met283Val; replaces methionine 283 with valine.
Molecular consequence: missense variant.
Genome position (GRCh38, 1-based): chr6:79,916,706, T>C on the plus strand (A>G on the coding strand, the complement: ELOVL4 is on the minus strand). VCF-style: chr6-79916706-T-C. GRCh37 (hg19) VCF-style: chr6-80626423-T-C.
Other names: short protein forms M283V.
Identifiers: ClinVar variation 1934013 (VCV001934013.5), dbSNP rs773564672, ClinGen allele CA3901453.

ClinVar aggregate classification (germline): Uncertain significance (1 of 4 stars; one submission).

Allele frequency attached by ClinVar (database versions not stated): ExAC 0.00001; gnomAD exomes 0.00003; TOPMed 0.00003.
gnomAD v4.1: 47 of 1,614,208 alleles (0.0029%); highest among the groups gnomAD compares: Non-Finnish European, 0.0036%; no homozygotes.

Submission:

Labcorp Genetics (formerly Invitae), Labcorp
Classification: Uncertain significance. Last evaluated: 2025-03-03. Review status: criteria provided, single submitter. Criteria: Invitae Variant Classification Sherloc (09022015). Collection method: clinical testing. Allele origin: germline.
Comment: This sequence change replaces methionine, which is neutral and non-polar, with valine, which is neutral and non-polar, at codon 283 of the ELOVL4 protein (p.Met283Val). This variant is present in population databases (rs773564672, gnomAD 0.0009%). This variant has not been reported in the literature in individuals affected with ELOVL4-related conditions. ClinVar contains an entry for this variant (Variation ID: 1934013). An algorithm developed to predict the effect of missense changes on protein structure and function outputs the following: PolyPhen-2: "Benign". The valine amino acid residue is found in multiple mammalian species, which suggests that this missense change does not adversely affect protein function. In summary, the available evidence is currently insufficient to determine the role of this variant in disease. Therefore, it has been classified as a Variant of Uncertain Significance.